The following is an entry in ClinVar:

NM_002204.4(ITGA3):c.2685dup (p.Ala896fs)

Gene: ITGA3 (integrin subunit alpha 3; plus strand). Cytogenetic location: 17q21.33.
Variant type: Duplication.
Coding change: c.2685dup on transcript NM_002204.4 (MANE Select); coding-DNA position 2685, one base duplicated (A; older notation c.2685dupA).
Protein change: p.Ala896fs; shifts the reading frame from alanine 896.
Molecular consequence: frameshift variant.
Genome position (GRCh38, 1-based): chr17:50,079,536, A duplicated; the last of 6 consecutive A bases (chr17:50,079,531-50,079,536); duplicating any one gives the same sequence. VCF-style (leftmost placement, unchanged base first): chr17-50079530-C-CA. GRCh37 (hg19) VCF-style: chr17-48156894-C-CA.
Other names: short protein forms A896fs.
Identifiers: ClinVar variation 3382048 (VCV003382048.2).

ClinVar aggregate classification (germline): Likely pathogenic (1 of 4 stars; one submission).

Conditions:
Epidermolysis bullosa, junctional 7, with interstitial lung disease and nephrotic syndrome. Also called: Interstitial Lung Disease with Nephrotic Syndrome and Epidermolysis Bullosa; Interstitial lung disease, nephrotic syndrome, and epidermolysis bullosa, congenital. Identifiers: Orphanet 306504, MedGen C4518785, MONDO:0013881, OMIM 614748.

Submission:

Juno Genomics, Hangzhou Juno Genomics, Inc
Classification: Likely pathogenic for Epidermolysis bullosa, junctional 7, with interstitial lung disease and nephrotic syndrome. Review status: criteria provided, single submitter. Criteria: ACMG Guidelines, 2015. Collection method: clinical testing. Allele origin: germline. Affected: yes.
Comment: Absent from controls (or at extremely low frequency if recessive) in Genome Aggregation Database, Exome Sequencing Project, 1000 Genomes Project, or Exome Aggregation Consortium.;Null variant in a gene where loss of function (LOF) is a known mechanism of disease.